The following is an entry in ClinVar:

ClinVar aggregate classification (germline): Pathogenic (1 of 4 stars; one submission).

Conditions:
Granulomatous disease, chronic, X-linked. Also called: GRANULOMATOUS DISEASE, CHRONIC, X-LINKED, SOMATIC MOSAIC; CYTOCHROME b-NEGATIVE GRANULOMATOUS DISEASE, CHRONIC, X-LINKED. Identifiers: Orphanet 379, MedGen C1844376, MONDO:0010600, OMIM 306400.

Submission:

Labcorp Genetics (formerly Invitae), Labcorp
Classification: Pathogenic for Granulomatous disease, chronic, X-linked. Last evaluated: 2019-04-11. Review status: criteria provided, single submitter. Criteria: Invitae Variant Classification Sherloc (09022015). Collection method: clinical testing. Allele origin: germline.
Comment: This variant is not present in population databases (ExAC no frequency). This sequence change creates a premature translational stop signal (p.Asn149Metfs*12) in the CYBB gene. It is expected to result in an absent or disrupted protein product. This variant has not been reported in the literature in individuals with CYBB-related conditions. For these reasons, this variant has been classified as Pathogenic. Loss-of-function variants in CYBB are known to be pathogenic (PMID: 9585602, 20729109).

Literature cited by the submitters: PubMed 9585602; PubMed 20729109.

NM_000397.4(CYBB):c.446del (p.Asn149fs)

Gene: CYBB (cytochrome b-245 beta chain; plus strand). Cytogenetic location: Xp21.1.
Variant type: Deletion.
Coding change: c.446del on transcript NM_000397.4 (MANE Select); coding-DNA position 446, one base deleted (A; older notation c.446delA).
Protein change: p.Asn149fs; shifts the reading frame from asparagine 149.
Molecular consequence: frameshift variant.
Genome position (GRCh38, 1-based): chrX:37,793,773, A deleted; the last of 4 consecutive A bases (chrX:37,793,770-37,793,773); deleting any one gives the same sequence. VCF-style (leftmost placement, unchanged base first): chrX-37793769-CA-C. GRCh37 (hg19) VCF-style: chrX-37653022-CA-C.
Other names: short protein forms N149fs.
Identifiers: ClinVar variation 847891 (VCV000847891.8), dbSNP rs1929244686, ClinGen allele CA916081974.